The following is an entry in ClinVar:

ClinVar aggregate classification (germline): Pathogenic (1 of 4 stars; one submission).

Conditions:
USH2A-related disorder. Also called: USH2A-related condition; USH2A-related disorders. Identifiers: MedGen CN239332.

Submission:

Myriad Genetics, Inc.
Classification: Pathogenic for USH2A-related disorder. Last evaluated: 2023-09-03. Review status: criteria provided, single submitter. Criteria: Myriad Autosomal Dominant, Autosomal Recessive and X-Linked Classification Criteria (2023). Collection method: clinical testing. Allele origin: unknown.
Comment: NM_206933.2(USH2A):c.2431A>T(K811*) is expected to be pathogenic in the context of USH2A-related disorders. This variant is predicted to lead to an abnormal or absent protein product due to the creation of a premature termination codon in USH2A, a gene where loss-of-function variants are known to be pathogenic. Please note: this variant was assessed in the context of healthy population screening.

NM_206933.4(USH2A):c.2431A>T (p.Lys811Ter)

Genes: USH2A (usherin; minus strand), LOC122152296 (Sharpr-MPRA regulatory region 8762; plus strand). Cytogenetic location: 1q41.
Variant type: single nucleotide variant.
Coding change: c.2431A>T on transcript NM_206933.4 (MANE Select); coding-DNA position 2431, A replaced by T.
Protein change: p.Lys811Ter; replaces lysine 811 with a stop codon.
Molecular consequence: nonsense.
Genome position (GRCh38, 1-based): chr1:216,246,963, T>A on the plus strand (A>T on the coding strand, the complement: USH2A is on the minus strand). VCF-style: chr1-216246963-T-A. GRCh37 (hg19) VCF-style: chr1-216420305-T-A.
Other names: c.2431A>T, p.Lys811Ter (NM_007123.6); short protein forms K811*.
Identifiers: ClinVar variation 5014037 (VCV005014037.1).